The following is an entry in ClinVar:

ClinVar aggregate classification (germline): Pathogenic (1 of 4 stars; one submission).

Submission:

Labcorp Genetics (formerly Invitae), Labcorp
Classification: Pathogenic. Last evaluated: 2024-12-09. Review status: criteria provided, single submitter. Criteria: Invitae Variant Classification Sherloc (09022015). Collection method: clinical testing. Allele origin: germline.
Comment: This sequence change creates a premature translational stop signal (p.Lys720*) in the POLE gene. It is expected to result in an absent or disrupted protein product. Loss-of-function variants in POLE are known to be pathogenic (PMID: 23230001, 25948378, 30503519). This variant is not present in population databases (gnomAD no frequency). This variant has not been reported in the literature in individuals affected with POLE-related conditions. ClinVar contains an entry for this variant (Variation ID: 570005). For these reasons, this variant has been classified as Pathogenic.

Literature cited by the submitters: PubMed 23230001; PubMed 25948378; PubMed 30503519.

NM_006231.4(POLE):c.2158A>T (p.Lys720Ter)

Gene: POLE (DNA polymerase epsilon, catalytic subunit; minus strand). Cytogenetic location: 12q24.33.
Variant type: single nucleotide variant.
Coding change: c.2158A>T on transcript NM_006231.4 (MANE Select); coding-DNA position 2158, A replaced by T.
Protein change: p.Lys720Ter; replaces lysine 720 with a stop codon.
Molecular consequence: nonsense.
Genome position (GRCh38, 1-based): chr12:132,668,371, T>A on the plus strand (A>T on the coding strand, the complement: POLE is on the minus strand). VCF-style: chr12-132668371-T-A. GRCh37 (hg19) VCF-style: chr12-133244957-T-A.
Other names: short protein forms K720*.
Identifiers: ClinVar variation 570005 (VCV000570005.8), dbSNP rs1565965603, ClinGen allele CA387353581.